The following is an entry in ClinVar:

NM_001148.6(ANK2):c.3571C>T (p.Arg1191Trp)

Gene: ANK2 (ankyrin 2; plus strand). Cytogenetic location: 4q26.
Variant type: single nucleotide variant.
Coding change: c.3571C>T on transcript NM_001148.6 (MANE Select); coding-DNA position 3571, C replaced by T.
Protein change: p.Arg1191Trp; replaces arginine 1191 with tryptophan.
Molecular consequence: missense variant. On other transcripts: 5 prime UTR variant (2).
Genome position (GRCh38, 1-based): chr4:113,336,037, C>T. VCF-style: chr4-113336037-C-T. GRCh37 (hg19) VCF-style: chr4-114257193-C-T.
Other names: p.R1191W:CGG>TGG; c.3544C>T, p.Arg1182Trp (NM_001127493.3); c.3583C>T, p.Arg1195Trp (NM_001354225.2); c.3472C>T, p.Arg1158Trp (NM_001354228.2, NM_001354258.2); c.3550C>T, p.Arg1184Trp (NM_001354230.2); c.3613C>T, p.Arg1205Trp (NM_001354231.2, NM_001354242.2); c.3607C>T, p.Arg1203Trp (NM_001354232.2); c.3568C>T, p.Arg1190Trp (NM_001354235.2, NM_001354246.2, NM_001354265.2); and 32 more; short protein forms R1182W, R1191W, R1125W, R1136W, R1148W, R1169W, R1203W, R1205W.
Identifiers: ClinVar variation 190566 (VCV000190566.7), dbSNP rs771751897, ClinGen allele CA300888.

ClinVar aggregate classification (germline): Uncertain significance. Review status: criteria provided, multiple submitters, no conflicts (2 of 4 stars). 3 submissions from 3 submitters: Uncertain significance (3). Last evaluated 2024-05-16.

Conditions:
Cardiac arrhythmia, ankyrin-B-related. Also called: ANKYRIN-B SYNDROME. Identifiers: Orphanet 101016, Orphanet 768, MedGen C1970119, MONDO:0010958, OMIM 600919.
Long QT syndrome (LQTS). Identifiers: MedGen C0023976, MeSH D008133, MONDO:0002442. Disease mechanism: loss of function. Inheritance: Various modes of inheritance.

Allele frequency attached by ClinVar (database versions not stated): ExAC 0.00002; gnomAD exomes 0.00001.
gnomAD v4.1: 8 of 1,613,974 alleles (0.0005%); highest among the groups gnomAD compares: Admixed American, 0.0033%; no homozygotes.

Submissions (3):

Labcorp Genetics (formerly Invitae), Labcorp
Classification: Uncertain significance for Long QT syndrome. Last evaluated: 2024-05-16. Review status: criteria provided, single submitter. Criteria: Invitae Variant Classification Sherloc (09022015). Collection method: clinical testing. Allele origin: germline.
Comment: This sequence change replaces arginine, which is basic and polar, with tryptophan, which is neutral and slightly polar, at codon 1191 of the ANK2 protein (p.Arg1191Trp). This variant is present in population databases (rs771751897, gnomAD 0.006%). This variant has not been reported in the literature in individuals affected with ANK2-related conditions. ClinVar contains an entry for this variant (Variation ID: 190566). Advanced modeling of protein sequence and biophysical properties (such as structural, functional, and spatial information, amino acid conservation, physicochemical variation, residue mobility, and thermodynamic stability) performed at Invitae indicates that this missense variant is not expected to disrupt ANK2 protein function with a negative predictive value of 80%. In summary, the available evidence is currently insufficient to determine the role of this variant in disease. Therefore, it has been classified as a Variant of Uncertain Significance.

Fulgent Genetics
Classification: Uncertain significance for Cardiac arrhythmia, ankyrin-B-related. Last evaluated: 2021-07-23. Review status: criteria provided, single submitter. Criteria: ACMG Guidelines, 2015. Collection method: clinical testing. Allele origin: unknown.

GeneDx
Classification: Uncertain significance. Last evaluated: 2017-04-26. Review status: criteria provided, single submitter. Criteria: GeneDx Variant Classification (06012015). Collection method: clinical testing. Allele origin: germline. Affected: yes.
Comment: p.Arg1191Trp (CGG>TGG):c.3571 C>T in exon 30 of the ANK2 gene (NM_001148.4). The Arg1191Trp variant in the ANK2 gene has not been reported as a disease-causing mutation or as a benign polymorphism to our knowledge. Arg1191Trp results in a non-conservative amino acid substitution of positively charged Arginine with a non-polar Tryptophan at a position that is conserved across species. In silico analysis predicts Arg1191Trp is is probably damaging to the protein structure/function. The NHLBI ESP Exome Variant Server reports Arg1191Trp was not observed in approximately 6,000 samples from individuals of European and African American backgrounds, indicating it is not a common benign variant in these populations. However, no mutations have been reported in this region of the ANK2 gene to date, indicating this region of the protein may tolerate change. In summary, the clinical significance of the Arg1191Trp variant in the ANK2 gene is currently unknown. The variant is found in LQT panel(s).